The following is an entry in ClinVar:

NM_000052.7(ATP7A):c.2134A>G (p.Met712Val)

Gene: ATP7A (ATPase copper transporting alpha; plus strand). Cytogenetic location: Xq21.1.
Variant type: single nucleotide variant.
Coding change: c.2134A>G on transcript NM_000052.7 (MANE Select); coding-DNA position 2134, A replaced by G.
Protein change: p.Met712Val; replaces methionine 712 with valine.
Molecular consequence: missense variant.
Genome position (GRCh38, 1-based): chrX:78,011,636, A>G. VCF-style: chrX-78011636-A-G. GRCh37 (hg19) VCF-style: chrX-77267133-A-G.
Other names: c.2134A>G, p.Met712Val (NM_001282224.2); short protein forms M712V.
Identifiers: ClinVar variation 4791969 (VCV004791969.1).

ClinVar aggregate classification (germline): Uncertain significance (1 of 4 stars; one submission).

Conditions:
Menkes kinky-hair syndrome (MNK). Also called: Classic Menkes Disease; Copper transport disease; Menkes Disease. Identifiers: Orphanet 565, MedGen C0022716, MONDO:0010651, OMIM 309400.
Cutis laxa, X-linked (OHS). Also called: EDS IX; Occipital horn syndrome. Identifiers: Orphanet 198, MedGen C0268353, MONDO:0010572, OMIM 304150.
X-linked distal spinal muscular atrophy type 3. Also called: ATP7A-Related Distal Motor Neuropathy; SPINAL MUSCULAR ATROPHY, DISTAL, X-LINKED RECESSIVE; NEURONOPATHY, DISTAL HEREDITARY MOTOR, X-LINKED; NEUROPATHY, DISTAL HEREDITARY MOTOR, X-LINKED. Identifiers: Orphanet 139557, MedGen C1845359, MONDO:0010338, OMIM 300489.

gnomAD v4.1: 1 of 1,211,137 alleles (0.000083%); no homozygotes.

Submission:

Labcorp Genetics (formerly Invitae), Labcorp
Classification: Uncertain significance for X-linked distal spinal muscular atrophy type 3; Cutis laxa, X-linked; Menkes kinky-hair syndrome. Last evaluated: 2025-10-11. Review status: criteria provided, single submitter. Criteria: Invitae Variant Classification Sherloc (09022015). Collection method: clinical testing. Allele origin: germline.
Comment: This sequence change replaces methionine, which is neutral and non-polar, with valine, which is neutral and non-polar, at codon 712 of the ATP7A protein (p.Met712Val). This variant is not present in population databases (gnomAD no frequency). This variant has not been reported in the literature in individuals affected with ATP7A-related conditions. Invitae Evidence Modeling of protein sequence and biophysical properties (such as structural, functional, and spatial information, amino acid conservation, physicochemical variation, residue mobility, and thermodynamic stability) indicates that this missense variant is not expected to disrupt ATP7A protein function with a negative predictive value of 95%. In summary, the available evidence is currently insufficient to determine the role of this variant in disease. Therefore, it has been classified as a Variant of Uncertain Significance.